The following is an entry in ClinVar:

ClinVar aggregate classification (germline): Conflicting classifications of pathogenicity. Review status: criteria provided, conflicting classifications (1 of 4 stars). 4 submissions from 4 submitters: Uncertain significance (3); Likely benign (1). Last evaluated 2024-03-26.

Allele frequency attached by ClinVar (database versions not stated): gnomAD exomes 0.00013; ExAC 0.00019; gnomAD 0.00038 and 0.00040; TOPMed 0.00042; 1000 Genomes Project 0.00060; 1000 Genomes Project 30x 0.00078.
gnomAD v4.1: 170 of 1,550,602 alleles (0.011%); highest among the groups gnomAD compares: African/African-American, 0.13%; no homozygotes.

Submissions (4):

Blueprint Genetics
Classification: Uncertain significance. Last evaluated: 2024-03-26. Review status: criteria provided, single submitter. Criteria: ACMG Guidelines, 2015. Collection method: clinical testing. Allele origin: germline.

Labcorp Genetics (formerly Invitae), Labcorp
Classification: Uncertain significance. Last evaluated: 2023-03-18. Review status: criteria provided, single submitter. Criteria: Invitae Variant Classification Sherloc (09022015). Collection method: clinical testing. Allele origin: germline.
Comment: In summary, the available evidence is currently insufficient to determine the role of this variant in disease. Therefore, it has been classified as a Variant of Uncertain Significance. Algorithms developed to predict the effect of missense changes on protein structure and function output the following: SIFT: "Not Available"; PolyPhen-2: "Benign"; Align-GVGD: "Not Available". The tryptophan amino acid residue is found in multiple mammalian species, which suggests that this missense change does not adversely affect protein function. ClinVar contains an entry for this variant (Variation ID: 227778). This variant has not been reported in the literature in individuals affected with OTOG-related conditions. This variant is present in population databases (rs200215464, gnomAD 0.1%). This sequence change replaces arginine, which is basic and polar, with tryptophan, which is neutral and slightly polar, at codon 1353 of the OTOG protein (p.Arg1353Trp).

GeneDx
Classification: Uncertain significance. Last evaluated: 2020-11-09. Review status: criteria provided, single submitter. Criteria: GeneDx Variant Classification Process June 2021. Collection method: clinical testing. Allele origin: germline. Affected: yes.
Comment: In silico analysis supports that this missense variant does not alter protein structure/function; Has not been previously published as pathogenic or benign to our knowledge

Laboratory for Molecular Medicine, Mass General Brigham Personalized Medicine
Classification: Likely benign. Last evaluated: 2015-09-14. Review status: criteria provided, single submitter. Criteria: LMM Criteria. Collection method: clinical testing. Allele origin: germline. Observed: 1 variant allele.
Comment: p.Arg1353Trp in exon 32 of OTOG: This variant is not expected to have clinical significance due to a lack of conservation across species, including mammals. Of note, over 10 mammals have a tryptophan (Trp) at this position despite high nea rby amino acid conservation. It has also been identified in 0.2% (2/920) of Afri can chromosomes and in 0.01% (1/7664) of South Asian chromosomes by the Exome Ag gregation Consortium (ExAC; dbSNP rs200215464).

NM_001292063.2(OTOG):c.4021C>T (p.Arg1341Trp)

Gene: OTOG (otogelin; plus strand). Cytogenetic location: 11p15.1.
Variant type: single nucleotide variant.
Coding change: c.4021C>T on transcript NM_001292063.2 (MANE Select); coding-DNA position 4021, C replaced by T.
Protein change: p.Arg1341Trp; replaces arginine 1341 with tryptophan.
Molecular consequence: missense variant.
Genome position (GRCh38, 1-based): chr11:17,606,000, C>T. VCF-style: chr11-17606000-C-T. GRCh37 (hg19) VCF-style: chr11-17627547-C-T.
Other names: c.4057C>T, p.Arg1353Trp (NM_001277269.2); short protein forms R1353W, R1341W.
Identifiers: ClinVar variation 227778 (VCV000227778.14), dbSNP rs200215464, ClinGen allele CA5905797.